The following is an entry in ClinVar:

NM_139319.3(SLC17A8):c.547G>A (p.Gly183Arg)

Gene: SLC17A8 (solute carrier family 17 member 8; plus strand). Cytogenetic location: 12q23.1.
Variant type: single nucleotide variant.
Coding change: c.547G>A on transcript NM_139319.3 (MANE Select); coding-DNA position 547, G replaced by A.
Protein change: p.Gly183Arg; replaces glycine 183 with arginine.
Molecular consequence: missense variant.
Genome position (GRCh38, 1-based): chr12:100,393,442, G>A. VCF-style: chr12-100393442-G-A. GRCh37 (hg19) VCF-style: chr12-100787220-G-A.
Other names: c.547G>A, p.Gly183Arg (NM_001145288.2); short protein forms G183R.
Identifiers: ClinVar variation 165243 (VCV000165243.8), dbSNP rs150737570, ClinGen allele CA177989.
Genomic context (GRCh38, chr12:100,393,442, plus strand): 5'-GCCATCTTCTTAACATCGACTCTGAACATGTTTATTCCCTCTGCAGCCAGAGTGCATTAC[G>A]GATGCGTCATGTGTGTCAGAATTCTGCAAGGTTTAGTGGAGGTAGGAGATACTTTCCTTA-3'
Protein context (NP_647480.1, residues 173-193): FIPSAARVHY[Gly183Arg]CVMCVRILQG

ClinVar aggregate classification (germline): Uncertain significance. Review status: criteria provided, multiple submitters, no conflicts (2 of 4 stars). 4 submissions from 4 submitters: Uncertain significance (4). Last evaluated 2026-08-04.

Conditions:
SLC17A8-related disorder. Also called: SLC17A8-related condition.

Allele frequency attached by ClinVar (database versions not stated): TOPMed 0.00002; gnomAD 0.00003 and 0.00004; gnomAD exomes 0.00004 and 0.00005; ExAC 0.00007; ESP Exome Variant Server 0.00015.
gnomAD v4.1: 73 of 1,613,600 alleles (0.0045%); highest among the groups gnomAD compares: Non-Finnish European, 0.0057%; no homozygotes.

Submissions (4):

PreventionGenetics, part of Exact Sciences
Classification: Uncertain significance for SLC17A8-related condition. Last evaluated: 2026-08-04. Review status: criteria provided, single submitter. Criteria: ACMG Guidelines, 2015. Collection method: clinical testing. Allele origin: germline.
Comment: The SLC17A8 c.547G>A variant is predicted to result in the amino acid substitution p.Gly183Arg. This variant is reported in 0.0080% of alleles in individuals of African descent in gnomAD. However, in gnomAD v4 (available only on GRCh38), this variant is reported in 73 alleles globally, which is likely too common for a highly penetrant pathogenic variant. At this time, the clinical significance of this variant is uncertain due to the absence of conclusive functional and genetic evidence.

Labcorp Genetics (formerly Invitae), Labcorp
Classification: Uncertain significance. Last evaluated: 2025-10-09. Review status: criteria provided, single submitter. Criteria: Invitae Variant Classification Sherloc (09022015). Collection method: clinical testing. Allele origin: germline.
Comment: This sequence change replaces glycine, which is neutral and non-polar, with arginine, which is basic and polar, at codon 183 of the SLC17A8 protein (p.Gly183Arg). This variant is present in population databases (rs150737570, gnomAD 0.009%). This variant has not been reported in the literature in individuals affected with SLC17A8-related conditions. ClinVar contains an entry for this variant (Variation ID: 165243). Invitae Evidence Modeling of protein sequence and biophysical properties (such as structural, functional, and spatial information, amino acid conservation, physicochemical variation, residue mobility, and thermodynamic stability) indicates that this missense variant is not expected to disrupt SLC17A8 protein function with a negative predictive value of 80%. Algorithms developed to predict the effect of sequence changes on RNA splicing suggest that this variant may disrupt the consensus splice site. In summary, the available evidence is currently insufficient to determine the role of this variant in disease. Therefore, it has been classified as a Variant of Uncertain Significance.

Blueprint Genetics
Classification: Uncertain significance. Last evaluated: 2024-04-25. Review status: criteria provided, single submitter. Criteria: ACMG Guidelines, 2015. Collection method: clinical testing. Allele origin: germline.

Laboratory for Molecular Medicine, Mass General Brigham Personalized Medicine
Classification: Uncertain significance. Last evaluated: 2013-09-08. Review status: criteria provided, single submitter. Criteria: LMM Criteria. Collection method: clinical testing. Allele origin: germline. Observed: 1 variant allele.
Comment: The Gly183Arg variant in SLC17A8 has not been reported in individuals with heari ng loss but has been identified in 0.02% (2/8600) of European American chromosom es by the NHLBI Exome Sequencing Project (dbS NP rs150737570). Although this variant has been seen in the general population, its frequency is not high enough to rule out a pathogenic role. Computational an alyses (biochemical amino acid properties, conservation, AlignGVGD, PolyPhen2, a nd SIFT) do not provide strong support for or against an impact to the protein. In summary, additional data is needed to determine the clinical significance of this variant.